The following is an entry in ClinVar:

NM_000064.4(C3):c.1463G>C (p.Arg488Pro)

Gene: C3 (complement C3; minus strand). Cytogenetic location: 19p13.3.
Variant type: single nucleotide variant.
Coding change: c.1463G>C on transcript NM_000064.4 (MANE Select); coding-DNA position 1463, G replaced by C.
Protein change: p.Arg488Pro; replaces arginine 488 with proline.
Molecular consequence: missense variant.
Genome position (GRCh38, 1-based): chr19:6,711,003, C>G on the plus strand (G>C on the coding strand, the complement: C3 is on the minus strand). VCF-style: chr19-6711003-C-G. GRCh37 (hg19) VCF-style: chr19-6711014-C-G.
Other names: short protein forms R488P.
Identifiers: ClinVar variation 2085523 (VCV002085523.4), dbSNP rs758947979, ClinGen allele CA9129448.

ClinVar aggregate classification (germline): Uncertain significance (1 of 4 stars; one submission).

Allele frequency attached by ClinVar (database versions not stated): ExAC 0.00001.
gnomAD v4.1: 1 of 1,614,070 alleles (0.000062%); highest among the groups gnomAD compares: Non-Finnish European, 0.000085%; no homozygotes.

Submission:

Labcorp Genetics (formerly Invitae), Labcorp
Classification: Uncertain significance. Last evaluated: 2024-07-25. Review status: criteria provided, single submitter. Criteria: Invitae Variant Classification Sherloc (09022015). Collection method: clinical testing. Allele origin: germline.
Comment: This sequence change replaces arginine, which is basic and polar, with proline, which is neutral and non-polar, at codon 488 of the C3 protein (p.Arg488Pro). This variant is present in population databases (rs758947979, gnomAD 0.0009%). This variant has not been reported in the literature in individuals affected with C3-related conditions. ClinVar contains an entry for this variant (Variation ID: 2085523). Advanced modeling of protein sequence and biophysical properties (such as structural, functional, and spatial information, amino acid conservation, physicochemical variation, residue mobility, and thermodynamic stability) performed at Invitae indicates that this missense variant is not expected to disrupt C3 protein function with a negative predictive value of 80%. In summary, the available evidence is currently insufficient to determine the role of this variant in disease. Therefore, it has been classified as a Variant of Uncertain Significance.